The following is an entry in ClinVar:

NM_000426.4(LAMA2):c.1782+3A>G

Gene: LAMA2 (laminin subunit alpha 2; plus strand). Cytogenetic location: 6q22.33.
Variant type: single nucleotide variant.
Coding change: c.1782+3A>G on transcript NM_000426.4 (MANE Select); 3 bases into the intron after coding-DNA position 1782, A replaced by G.
Molecular consequence: intron variant.
Genome position (GRCh38, 1-based): chr6:129,192,856, A>G. VCF-style: chr6-129192856-A-G. GRCh37 (hg19) VCF-style: chr6-129514001-A-G.
Other names: c.1782+3A>G (NM_001079823.2).
Identifiers: ClinVar variation 944282 (VCV000944282.8), dbSNP rs1781611374, ClinGen allele CA1139659801.

ClinVar aggregate classification (germline): Uncertain significance (1 of 4 stars; one submission).

Conditions:
LAMA2-related muscular dystrophy (LAMA2-RD). Also called: Laminin alpha 2-related dystrophy. Identifiers: MedGen C5679788, MONDO:0100228.

Submission:

Labcorp Genetics (formerly Invitae), Labcorp
Classification: Uncertain significance for LAMA2-related muscular dystrophy. Last evaluated: 2019-06-07. Review status: criteria provided, single submitter. Criteria: Invitae Variant Classification Sherloc (09022015). Collection method: clinical testing. Allele origin: germline.
Comment: Nucleotide substitutions within the consensus splice site are a relatively common cause of aberrant splicing (PMID: 17576681, 9536098). Algorithms developed to predict the effect of sequence changes on RNA splicing suggest that this variant is not likely to affect RNA splicing, but this prediction has not been confirmed by published transcriptional studies. This variant has not been reported in the literature in individuals with LAMA2-related conditions. This variant is not present in population databases (ExAC no frequency). This sequence change falls in intron 12 of the LAMA2 gene. It does not directly change the encoded amino acid sequence of the LAMA2 protein, but it affects a nucleotide within the consensus splice site of the intron. In summary, the available evidence is currently insufficient to determine the role of this variant in disease. Therefore, it has been classified as a Variant of Uncertain Significance.

Literature cited by the submitters: PubMed 17576681; PubMed 9536098.